The following is an entry in ClinVar:

ClinVar aggregate classification (germline): Uncertain significance (1 of 4 stars; one submission).

Conditions:
Hereditary cancer-predisposing syndrome. Also called: Neoplastic Syndromes, Hereditary; Tumor predisposition; Hereditary Cancer Syndrome; Hereditary neoplastic syndrome. Identifiers: Orphanet 140162, MedGen C0027672, MeSH D009386, MONDO:0015356.

Submission:

Ambry Genetics
Classification: Uncertain significance for Hereditary cancer-predisposing syndrome. Last evaluated: 2026-01-15. Review status: criteria provided, single submitter. Criteria: Ambry Variant Classification Scheme 2023. Collection method: clinical testing. Allele origin: germline.
Comment: The p.E121K variant (also known as c.361G>A), located in coding exon 5 of the BRCA1 gene, results from a G to A substitution at nucleotide position 361. The glutamic acid at codon 121 is replaced by lysine, an amino acid with similar properties. This amino acid position is well conserved in available vertebrate species. In addition, this alteration is predicted to be deleterious by in silico analysis. Based on the available evidence, the clinical significance of this variant remains unclear.

NM_007294.4(BRCA1):c.361G>A (p.Glu121Lys)

Gene: BRCA1 (BRCA1 DNA repair associated; minus strand). Cytogenetic location: 17q21.31.
Variant type: single nucleotide variant.
Coding change: c.361G>A on transcript NM_007294.4 (MANE Select); coding-DNA position 361, G replaced by A.
Protein change: p.Glu121Lys; replaces glutamic acid 121 with lysine.
Molecular consequence: missense variant. On other transcripts: 5 prime UTR variant (7), intron variant (2).
Genome position (GRCh38, 1-based): chr17:43,104,202, C>T on the plus strand (G>A on the coding strand, the complement: BRCA1 is on the minus strand). VCF-style: chr17-43104202-C-T. GRCh37 (hg19) VCF-style: chr17-41256219-C-T.
Other names: c.361G>A, p.Glu121Lys (NM_001407674.1, NM_001407675.1, NM_001407676.1 and 164 more transcripts); c.151G>A, p.Glu51Lys (NM_001407952.1, NM_001407953.1, NM_001407954.1 and 58 more transcripts); c.220G>A, p.Glu74Lys (NM_001407747.1, NM_001407748.1, NM_001407749.1 and 99 more transcripts); c.283G>A, p.Glu95Lys (NM_001407862.1, NM_001408409.1, NM_001408411.1 and 21 more transcripts); c.-21G>A (NM_001407959.1, NM_001407960.1, NM_001407962.1 and 4 more transcripts); c.352G>A, p.Glu118Lys (NM_001408408.1, NM_001407646.1, NM_001407647.1); c.229G>A, p.Glu77Lys (NM_001408451.1); c.-218-9342G>A (NM_001407967.1, NM_001407966.1); short protein forms E51K, E74K, E77K, E95K, E118K, E121K.
Identifiers: ClinVar variation 4842666 (VCV004842666.1).